The following is an entry in ClinVar:

ClinVar aggregate classification (germline): Conflicting classifications of pathogenicity. Review status: criteria provided, conflicting classifications (1 of 4 stars). 7 submissions from 7 submitters: Uncertain significance (6); Likely benign (1). Last evaluated 2025-05-11.

Conditions:
Hereditary breast ovarian cancer syndrome. Also called: Breast and ovarian cancer; BRCA1- and BRCA2-Associated Hereditary Breast and Ovarian Cancer; Hereditary breast and ovarian cancer syndrome; Hereditary breast and ovarian cancer syndrome (HBOC); Hereditary breast and/or ovarian cancer syndrome; Hereditary breast and ovarian cancer. Identifiers: Orphanet 145, MedGen C0677776, MeSH D061325, MONDO:0003582. Disease mechanism: loss of function.
Hereditary cancer-predisposing syndrome. Also called: Neoplastic Syndromes, Hereditary; Hereditary Cancer Syndrome; Tumor predisposition; Hereditary neoplastic syndrome. Identifiers: Orphanet 140162, MedGen C0027672, MeSH D009386, MONDO:0015356.

Allele frequency attached by ClinVar (database versions not stated): gnomAD 0.00001.
gnomAD v4.1: 1 of 1,613,676 alleles (0.000062%); highest among the groups gnomAD compares: East Asian, 0.0022%; no homozygotes.

Submissions (7):

Labcorp Genetics (formerly Invitae), Labcorp
Classification: Uncertain significance for Hereditary breast ovarian cancer syndrome. Last evaluated: 2025-05-11. Review status: criteria provided, single submitter. Criteria: Invitae Variant Classification Sherloc (09022015). Collection method: clinical testing. Allele origin: germline.
Comment: This sequence change replaces histidine, which is basic and polar, with aspartic acid, which is acidic and polar, at codon 1003 of the BRCA2 protein (p.His1003Asp). This variant is present in population databases (no rsID available, gnomAD 0.06%). This missense change has been observed in individual(s) with breast and/or ovarian cancer (PMID: 19499246, 30415210, 32694901, 33078592). ClinVar contains an entry for this variant (Variation ID: 236845). Invitae Evidence Modeling of protein sequence and biophysical properties (such as structural, functional, and spatial information, amino acid conservation, physicochemical variation, residue mobility, and thermodynamic stability) indicates that this missense variant is not expected to disrupt BRCA2 protein function with a negative predictive value of 95%. In summary, the available evidence is currently insufficient to determine the role of this variant in disease. Therefore, it has been classified as a Variant of Uncertain Significance.

Ambry Genetics
Classification: Uncertain significance for Hereditary cancer-predisposing syndrome. Last evaluated: 2025-04-15. Review status: criteria provided, single submitter. Criteria: Ambry Variant Classification Scheme 2023. Collection method: clinical testing. Allele origin: germline.
Comment: The p.H1003D variant (also known as c.3007C>G), located in coding exon 10 of the BRCA2 gene, results from a C to G substitution at nucleotide position 3007. The histidine at codon 1003 is replaced by aspartic acid, an amino acid with similar properties. This amino acid position is highly conserved through the hedgehog, but is not conserved in lower species. In addition, the in silico prediction for this alteration is inconclusive. Since supporting evidence is limited at this time, the clinical significance of this alteration remains unclear.

Color Diagnostics, LLC DBA Color Health
Classification: Uncertain significance for Hereditary cancer-predisposing syndrome. Last evaluated: 2024-07-16. Review status: criteria provided, single submitter. Criteria: ACMG Guidelines, 2015. Collection method: clinical testing. Allele origin: germline.
Comment: This missense variant replaces histidine with aspartic acid at codon 1003 of the BRCA2 protein. Computational prediction suggests that this variant may not impact protein structure and function. To our knowledge, functional studies have not been reported for this variant. This variant has been reported in an individual affected with ovarian cancer (PMID: 19499246) and multifactorial analyses have reported low posterior probability of being deleterious of 0.0516 and 0.010506814, respectively (PMID: 30415210, 34063308). This variant also has been reported in a prostate cancer case-control study in 1/7636 prostate cancer cases and absent in 12366 unaffected controls (PMID: 3121471), in an esophageal squamous cell carcinoma case-control study in 1/2121 cases and 1/1168 unaffected controls (PMID: 31396961), and in a breast cancer case-control meta-analysis in 0/60466 cases and 1/53461 unaffected individuals (PMID: 33471991; Leiden Open Variation Database DB-ID BRCA2_008018). This variant has been identified in 1/31390 chromosomes in the general population by the Genome Aggregation Database (gnomAD). The available evidence is insufficient to determine the role of this variant in disease conclusively. Therefore, this variant is classified as a Variant of Uncertain Significance.

Women's Health and Genetics/Laboratory Corporation of America, LabCorp
Classification: Uncertain significance. Last evaluated: 2023-06-15. Review status: criteria provided, single submitter. Criteria: LabCorp Variant Classification Summary - May 2015. Collection method: clinical testing. Allele origin: germline.
Comment: Variant summary: BRCA2 c.3007C>G (p.His1003Asp) results in a non-conservative amino acid change in the encoded protein sequence. Four of five in-silico tools predict a benign effect of the variant on protein function. The variant was absent in 250722 control chromosomes. The available data on variant occurrences in the general population are insufficient to allow any conclusion about variant significance. c.3007C>G has been reported in the literature in individuals of East Asian ethnicity affected with Hereditary Breast and/or Ovarian Cancer Syndrome (example, Lim_2009, Lee_2018, Ha_2020, Park_2021, Li_2020). At-least one of these studies reported this variant with a final ACMG based classification of likely benign but the evidential basis of this is not explicitly stated (Lee_2018). All other reports include this variant among the VUS listed in the respective studies. These reports do not provide unequivocal conclusions about association of the variant with Hereditary Breast And Ovarian Cancer Syndrome. A co-occurrence with another pathogenic variant has been reported (BRCA1 c.5470_5477del, p.Ile1824AspfsX3; Li_2020), providing supporting evidence for a benign role. To our knowledge, no experimental evidence demonstrating an impact on protein function has been reported. The following publications have been ascertained in the context of this evaluation (PMID: 33078592, 30415210, 19499246, 34063308, 31396961, 32694901). Five ClinVar submitters (evaluation after 2014) have reported the variant with conflicting assessments: 4 submitters classified the variant as VUS, and 1 submitter classified the variant as likely benign. Based on the evidence outlined above, the variant was classified as uncertain significance.

University of Washington Department of Laboratory Medicine, University of Washington
Classification: Likely benign for Hereditary cancer-predisposing syndrome. Last evaluated: 2023-03-23. Review status: criteria provided, single submitter. Criteria: Dines et al. (Genet Med. 2020). Collection method: curation. Allele origin: germline.
Comment: Missense variant in a coldspot region where missense variants are very unlikely to be pathogenic (PMID:31911673).

BRCA2 exon 11 coldspot. Reclassification based on statistical prior probability.

Blueprint Genetics
Classification: Uncertain significance. Last evaluated: 2022-04-20. Review status: criteria provided, single submitter. Criteria: ACMG Guidelines, 2015. Collection method: clinical testing. Allele origin: germline.

Genetic Services Laboratory, University of Chicago
Classification: Uncertain significance. Last evaluated: 2019-04-15. Review status: criteria provided, single submitter. Criteria: ACMG Guidelines, 2015. Collection method: clinical testing. Allele origin: germline. Affected: no.

Literature cited by the submitters: PubMed 19499246 (cited by 3 submitters); PubMed 30415210 (cited by 3 submitters); PubMed 32694901 (cited by Labcorp Genetics (formerly Invitae), Labcorp and Women's Health and Genetics/Laboratory Corporation of America, LabCorp); PubMed 33078592 (cited by Labcorp Genetics (formerly Invitae), Labcorp and Women's Health and Genetics/Laboratory Corporation of America, LabCorp); PubMed 3121471 (cited by Color Diagnostics, LLC DBA Color Health); PubMed 31396961 (cited by Color Diagnostics, LLC DBA Color Health and Women's Health and Genetics/Laboratory Corporation of America, LabCorp); PubMed 33471991 (cited by Color Diagnostics, LLC DBA Color Health); PubMed 34063308 (cited by Color Diagnostics, LLC DBA Color Health and Women's Health and Genetics/Laboratory Corporation of America, LabCorp).

NM_000059.4(BRCA2):c.3007C>G (p.His1003Asp)

Gene: BRCA2 (BRCA2 DNA repair associated; plus strand). Cytogenetic location: 13q13.1.
Variant type: single nucleotide variant.
Coding change: c.3007C>G on transcript NM_000059.4 (MANE Select); coding-DNA position 3007, C replaced by G.
Protein change: p.His1003Asp; replaces histidine 1003 with aspartic acid.
Molecular consequence: missense variant.
Genome position (GRCh38, 1-based): chr13:32,337,362, C>G. VCF-style: chr13-32337362-C-G. GRCh37 (hg19) VCF-style: chr13-32911499-C-G.
Other names: short protein forms H1003D.
Identifiers: ClinVar variation 236845 (VCV000236845.25), dbSNP rs878853565, ClinGen allele CA10583086.
Genomic context (GRCh38, chr13:32,337,362, plus strand): 5'-CCAGAAAAAAATAATGATTACATGAACAAATGGGCAGGACTCTTAGGTCCAATTTCAAAT[C>G]ACAGTTTTGGAGGTAGCTTCAGAACAGCTTCAAATAAGGAAATCAAGCTCTCTGAACATA-3'
Protein context (NP_000050.3, residues 993-1013): WAGLLGPISN[His1003Asp]SFGGSFRTAS